The following is an entry in ClinVar:

NM_000760.4(CSF3R):c.1406G>T (p.Ser469Ile)

Gene: CSF3R (colony stimulating factor 3 receptor; minus strand). Cytogenetic location: 1p34.3.
Variant type: single nucleotide variant.
Coding change: c.1406G>T on transcript NM_000760.4 (MANE Select); coding-DNA position 1406, G replaced by T.
Protein change: p.Ser469Ile; replaces serine 469 with isoleucine.
Molecular consequence: missense variant.
Genome position (GRCh38, 1-based): chr1:36,469,720, C>A on the plus strand (G>T on the coding strand, the complement: CSF3R is on the minus strand). VCF-style: chr1-36469720-C-A. GRCh37 (hg19) VCF-style: chr1-36935321-C-A.
Other names: c.1406G>T, p.Ser469Ile (NM_156039.3, NM_172313.3); short protein forms S469I.
Identifiers: ClinVar variation 2090087 (VCV002090087.4), dbSNP rs2124110503, ClinGen allele CA339419809.

ClinVar aggregate classification (germline): Uncertain significance (1 of 4 stars; one submission).

Conditions:
Autosomal recessive severe congenital neutropenia due to CSF3R deficiency. Also called: Neutropenia, severe congenital, 7, autosomal recessive. Identifiers: Orphanet 420702, MedGen C4310764, MONDO:0014865, OMIM 617014.

Submission:

Labcorp Genetics (formerly Invitae), Labcorp
Classification: Uncertain significance for Autosomal recessive severe congenital neutropenia due to CSF3R deficiency. Last evaluated: 2025-01-06. Review status: criteria provided, single submitter. Criteria: Invitae Variant Classification Sherloc (09022015). Collection method: clinical testing. Allele origin: germline.
Comment: This sequence change replaces serine, which is neutral and polar, with isoleucine, which is neutral and non-polar, at codon 469 of the CSF3R protein (p.Ser469Ile). This variant is not present in population databases (gnomAD no frequency). This variant has not been reported in the literature in individuals affected with CSF3R-related conditions. ClinVar contains an entry for this variant (Variation ID: 2090087). Invitae Evidence Modeling of protein sequence and biophysical properties (such as structural, functional, and spatial information, amino acid conservation, physicochemical variation, residue mobility, and thermodynamic stability) indicates that this missense variant is not expected to disrupt CSF3R protein function with a negative predictive value of 80%. In summary, the available evidence is currently insufficient to determine the role of this variant in disease. Therefore, it has been classified as a Variant of Uncertain Significance.